The following is an entry in ClinVar:

NM_001136472.2(LITAF):c.220+42C>T

Gene: LITAF (lipopolysaccharide induced TNF factor; minus strand). Cytogenetic location: 16p13.13.
Variant type: single nucleotide variant.
Coding change: c.220+42C>T on transcript NM_001136472.2 (MANE Select); 42 bases into the intron after coding-DNA position 220, C replaced by T.
Molecular consequence: intron variant.
Genome position (GRCh38, 1-based): chr16:11,556,469, G>A on the plus strand (C>T on the coding strand, the complement: LITAF is on the minus strand). VCF-style: chr16-11556469-G-A. GRCh37 (hg19) VCF-style: chr16-11650325-G-A.
Other names: c.220+42C>T (NM_001136473.1, NM_004862.4).
Identifiers: ClinVar variation 683058 (VCV000683058.4), dbSNP rs3743582, ClinGen allele CA7904154.

ClinVar aggregate classification (germline): Benign. Review status: criteria provided, multiple submitters, no conflicts (2 of 4 stars). 3 submissions from 3 submitters: Benign (3). Last evaluated 2021-08-19.

Conditions:
Charcot-Marie-Tooth disease type 1C. Also called: CHARCOT-MARIE-TOOTH NEUROPATHY, TYPE 1C; CHARCOT-MARIE-TOOTH DISEASE, DEMYELINATING, TYPE 1C; CMT, SLOW NERVE CONDUCTION TYPE C; HMSN IC; NEUROPATHY, HEREDITARY MOTOR AND SENSORY, TYPE IC; Charcot-Marie-Tooth disease, type IC. Identifiers: Orphanet 101083, MedGen C0270913, MONDO:0010995, OMIM 601098.

Allele frequency attached by ClinVar (database versions not stated): ESP Exome Variant Server 0.43659; gnomAD 0.44408; TOPMed 0.47451; gnomAD exomes 0.48145 and 0.52096; 1000 Genomes Project 30x 0.50828; 1000 Genomes Project 0.51018; ExAC 0.59288.
gnomAD v4.1: 739,331 of 1,542,566 alleles (48%); highest among the groups gnomAD compares: Admixed American, 68%; 180,523 homozygotes.

Submissions (3):

Genome-Nilou Lab
Classification: Benign for Charcot-Marie-Tooth disease type 1C. Last evaluated: 2021-08-19. Review status: criteria provided, single submitter. Criteria: ACMG Guidelines, 2015. Collection method: clinical testing. Allele origin: germline. Affected: no.

GeneDx
Classification: Benign. Last evaluated: 2018-06-19. Review status: criteria provided, single submitter. Criteria: GeneDx Variant Classification (06012015). Collection method: clinical testing. Allele origin: germline. Affected: yes.
Comment: This variant is considered likely benign or benign based on one or more of the following criteria: it is a conservative change, it occurs at a poorly conserved position in the protein, it is predicted to be benign by multiple in silico algorithms, and/or has population frequency not consistent with disease.

Breakthrough Genomics
Classification: Benign. Review status: criteria provided, single submitter. Criteria: ACMG Guidelines, 2015. Collection method: not provided. Allele origin: germline. Inheritance: Autosomal dominant inheritance. Affected: yes.